The following is an entry in ClinVar:

ClinVar aggregate classification (germline): Pathogenic (1 of 4 stars; one submission).

Conditions:
Holoprosencephaly 5 (HPE5). Identifiers: Orphanet 2162, MedGen C1864827, MONDO:0012322, OMIM 609637.

Submission:

Labcorp Genetics (formerly Invitae), Labcorp
Classification: Pathogenic for Holoprosencephaly 5. Last evaluated: 2019-08-15. Review status: criteria provided, single submitter. Criteria: Invitae Variant Classification Sherloc (09022015). Collection method: clinical testing. Allele origin: germline.
Comment: This sequence change results in a premature translational stop signal in the ZIC2 gene (p.Ser406Alafs*7). While this is not anticipated to result in nonsense mediated decay, it is expected to disrupt the last 127 amino acids of the ZIC2 protein. This variant is not present in population databases (ExAC no frequency). This variant has been observed in individual(s) with holoprosencephaly (Invitae). In at least one individual the variant was observed to be de novo. Experimental studies and prediction algorithms are not available for this variant, and the functional significance of the affected amino acid(s) is currently unknown. This variant disrupts the C-terminus of the ZIC2 protein. Other variant(s) that disrupt this region (p.Lys410_His411del) have been observed in individuals with ZIC2-related conditions (Invitae) and determined to be likely pathogenic. This suggests that this may be a clinically significant region of the protein. For these reasons, this variant has been classified as Pathogenic.

NM_007129.5(ZIC2):c.1215del (p.Ser406fs)

Gene: ZIC2 (Zic family zinc finger 2; plus strand). Cytogenetic location: 13q32.3.
Variant type: Deletion.
Coding change: c.1215del on transcript NM_007129.5 (MANE Select); coding-DNA position 1215, one base deleted (C; older notation c.1215delC).
Protein change: p.Ser406fs; shifts the reading frame from serine 406.
Molecular consequence: frameshift variant.
Genome position (GRCh38, 1-based): chr13:99,985,085, C deleted; the last of 4 consecutive C bases (chr13:99,985,082-99,985,085); deleting any one gives the same sequence. VCF-style (leftmost placement, unchanged base first): chr13-99985081-AC-A. GRCh37 (hg19) VCF-style: chr13-100637335-AC-A.
Other names: c.1215del (NM_007129.3); short protein forms S406fs.
Identifiers: ClinVar variation 659143 (VCV000659143.10), dbSNP rs1594291863, ClinGen allele CA915948668.